The following is an entry in ClinVar:

ClinVar aggregate classification (germline): Uncertain significance (1 of 4 stars; one submission).

Conditions:
Cardiomyopathy (CMYO). Also called: Cardiomyopathies. Identifiers: Orphanet 167848, MedGen C0878544, MONDO:0004994, HP:0001638. Inheritance: Various modes of inheritance.

gnomAD v4.1: 1 of 1,609,282 alleles (0.000062%); highest among the groups gnomAD compares: Non-Finnish European, 0.000085%; no homozygotes.

Submission:

All of Us Research Program, National Institutes of Health
Classification: Uncertain significance for Cardiomyopathy. Last evaluated: 2024-07-29. Review status: criteria provided, single submitter. Criteria: ACMG Guidelines, 2015. Collection method: clinical testing. Allele origin: germline. Inheritance: Autosomal dominant inheritance. Observed: 1 variant allele, 1 heterozygote.
Comment: This variant is located in the 3' untranslated region of the TNNT2 gene. To our knowledge, functional studies have not been reported for this variant. This variant has not been reported in individuals affected with TNNT2-related disorders in the literature. This variant has not been identified in the general population by the Genome Aggregation Database (gnomAD). The available evidence is insufficient to determine the role of this variant in disease conclusively. Therefore, this variant is classified as a Variant of Uncertain Significance.

This study involves interpretation of variants in research participants for the purpose of population health screening. Participant phenotype was not available at the time of variant classification. Additional details can be found in publication PMID: 35346344, PMCID: PMC8962531

NM_001276345.2(TNNT2):c.*4C>G

Gene: TNNT2 (troponin T2, cardiac type; minus strand). Cytogenetic location: 1q32.1.
Variant type: single nucleotide variant.
Coding change: c.*4C>G on transcript NM_001276345.2 (MANE Select); 4 bases downstream of the stop codon, C replaced by G.
Molecular consequence: 3 prime UTR variant.
Genome position (GRCh38, 1-based): chr1:201,359,206, G>C on the plus strand (C>G on the coding strand, the complement: TNNT2 is on the minus strand). VCF-style: chr1-201359206-G-C. GRCh37 (hg19) VCF-style: chr1-201328334-G-C.
Other names: c.*4C>G (NM_000364.4, NM_001001430.3, NM_001001431.3 and 9 more transcripts).
Identifiers: ClinVar variation 3386109 (VCV003386109.1).